The following is an entry in ClinVar:

NM_001267550.2(TTN):c.104527C>T (p.Leu34843=)

Genes: TTN-AS1 (TTN antisense RNA 1; plus strand), TTN (titin; minus strand). Cytogenetic location: 2q31.2.
Variant type: single nucleotide variant.
Coding change: c.104527C>T on transcript NM_001267550.2 (MANE Select); coding-DNA position 104527, C replaced by T.
Protein change: p.Leu34843=; no amino-acid change (leucine 34843 retained).
Molecular consequence: synonymous variant.
Genome position (GRCh38, 1-based): chr2:178,532,088, G>A on the plus strand (C>T on the coding strand, the complement: TTN is on the minus strand). VCF-style: chr2-178532088-G-A. GRCh37 (hg19) VCF-style: chr2-179396815-G-A.
Other names: c.99604C>T, p.Leu33202= (NM_001256850.1); c.77332C>T, p.Leu25778= (NM_003319.4); c.96823C>T, p.Leu32275= (NM_133378.4); c.77707C>T, p.Leu25903= (NM_133432.3); c.77908C>T, p.Leu25970= (NM_133437.4).
Identifiers: ClinVar variation 696384 (VCV000696384.33), dbSNP rs945747944, ClinGen allele CA60956148.

ClinVar aggregate classification (germline): Likely benign. Review status: criteria provided, multiple submitters, no conflicts (2 of 4 stars). 2 submissions from 2 submitters: Likely benign (2). Last evaluated 2025-03-12.

Conditions:
Autosomal recessive limb-girdle muscular dystrophy type 2J (LGMDR10). Also called: Limb-girdle muscular dystrophy, type 2J; MUSCULAR DYSTROPHY, LIMB-GIRDLE, AUTOSOMAL RECESSIVE 10. Identifiers: Orphanet 140922, MedGen C1837342, MONDO:0012127, OMIM 608807.
Dilated cardiomyopathy 1G (CMD1G). Identifiers: Orphanet 154, MedGen C1858763, MONDO:0011400, OMIM 604145.

Allele frequency attached by ClinVar (database versions not stated): gnomAD exomes below 0.00001 and 0.00001; TOPMed below 0.00001; gnomAD 0.00001.
gnomAD v4.1: 12 of 1,613,818 alleles (0.00074%); highest among the groups gnomAD compares: Non-Finnish European, 0.00093%; no homozygotes.

Submissions (2):

Labcorp Genetics (formerly Invitae), Labcorp
Classification: Likely benign for Dilated cardiomyopathy 1G; Autosomal recessive limb-girdle muscular dystrophy type 2J. Last evaluated: 2025-03-12. Review status: criteria provided, single submitter. Criteria: Invitae Variant Classification Sherloc (09022015). Collection method: clinical testing. Allele origin: germline.

CeGaT Center for Human Genetics Tuebingen
Classification: Likely benign. Last evaluated: 2024-01-01. Review status: criteria provided, single submitter. Criteria: CeGaT Center For Human Genetics Tuebingen Variant Classification Criteria Version 2. Collection method: clinical testing. Allele origin: germline. Affected: yes. Observed: 1 variant allele.
Comment: TTN: BP4, BP7